The following is an entry in ClinVar:

ClinVar aggregate classification (germline): Uncertain significance (1 of 4 stars; one submission).

Conditions:
Hereditary spastic paraplegia 11. Also called: SPASTIC PARAPLEGIA, AUTOSOMAL RECESSIVE, COMPLICATED, WITH THIN CORPUS CALLOSUM; SPASTIC PARAPLEGIA, AUTOSOMAL RECESSIVE, WITH MENTAL IMPAIRMENT AND THIN CORPUS CALLOSUM; Spastic paraplegia, mental retardation and thin corpus callosum; Nakamura Osame syndrome; Autosomal recessive hereditary spastic paraplegia, mental impairment, and thin corpus callosum; Spastic Paraplegia 11. Identifiers: Orphanet 2822, MedGen C1858479, MONDO:0011445, OMIM 604360.

Allele frequency attached by ClinVar (database versions not stated): gnomAD exomes below 0.00001; TOPMed below 0.00001; gnomAD 0.00002 and 0.00003.
gnomAD v4.1: 7 of 1,613,902 alleles (0.00043%); highest among the groups gnomAD compares: African/African-American, 0.0013%; no homozygotes.

Submission:

Labcorp Genetics (formerly Invitae), Labcorp
Classification: Uncertain significance for Hereditary spastic paraplegia 11. Last evaluated: 2024-03-07. Review status: criteria provided, single submitter. Criteria: Invitae Variant Classification Sherloc (09022015). Collection method: clinical testing. Allele origin: germline.
Comment: This sequence change replaces glutamine, which is neutral and polar, with histidine, which is basic and polar, at codon 913 of the SPG11 protein (p.Gln913His). This variant is present in population databases (no rsID available, gnomAD 0.007%). This variant has not been reported in the literature in individuals affected with SPG11-related conditions. ClinVar contains an entry for this variant (Variation ID: 654715). Advanced modeling of protein sequence and biophysical properties (such as structural, functional, and spatial information, amino acid conservation, physicochemical variation, residue mobility, and thermodynamic stability) performed at Invitae indicates that this missense variant is not expected to disrupt SPG11 protein function with a negative predictive value of 80%. In summary, the available evidence is currently insufficient to determine the role of this variant in disease. Therefore, it has been classified as a Variant of Uncertain Significance.

NM_025137.4(SPG11):c.2739G>C (p.Gln913His)

Gene: SPG11 (SPG11 vesicle trafficking associated, spatacsin; minus strand). Cytogenetic location: 15q21.1.
Variant type: single nucleotide variant.
Coding change: c.2739G>C on transcript NM_025137.4 (MANE Select); coding-DNA position 2739, G replaced by C.
Protein change: p.Gln913His; replaces glutamine 913 with histidine.
Molecular consequence: missense variant.
Genome position (GRCh38, 1-based): chr15:44,620,285, C>G on the plus strand (G>C on the coding strand, the complement: SPG11 is on the minus strand). VCF-style: chr15-44620285-C-G. GRCh37 (hg19) VCF-style: chr15-44912483-C-G.
Other names: c.2739G>C, p.Gln913His (NM_001160227.2); short protein forms Q913H.
Identifiers: ClinVar variation 654715 (VCV000654715.7), dbSNP rs1209247230, ClinGen allele CA392230730.